The following is an entry in ClinVar:

NM_015057.5(MYCBP2):c.1953T>G (p.Ser651=)

Gene: MYCBP2 (MYC binding protein 2; minus strand). Cytogenetic location: 13q22.3.
Variant type: single nucleotide variant.
Coding change: c.1953T>G on transcript NM_015057.5 (MANE Select); coding-DNA position 1953, T replaced by G.
Protein change: p.Ser651=; no amino-acid change (serine 651 retained).
Molecular consequence: synonymous variant.
Genome position (GRCh38, 1-based): chr13:77,260,492, A>C on the plus strand (T>G on the coding strand, the complement: MYCBP2 is on the minus strand). VCF-style: chr13-77260492-A-C. GRCh37 (hg19) VCF-style: chr13-77834627-A-C.
Identifiers: ClinVar variation 3059639 (VCV003059639.2), dbSNP rs61749893, ClinGen allele CA7010343.

ClinVar aggregate classification (germline): Benign (0 of 4 stars; one submission).

Conditions:
MYCBP2-related disorder. Also called: MYCBP2-related condition.

Allele frequency attached by ClinVar (database versions not stated): ESP Exome Variant Server 0.01685; TOPMed 0.01780; 1000 Genomes Project 0.01917; 1000 Genomes Project 30x 0.02014; gnomAD 0.02025; ExAC 0.02936.
gnomAD v4.1: 34,542 of 1,610,340 alleles (2.1%); highest among the groups gnomAD compares: Middle Eastern, 5.4%; 551 homozygotes.

Submission:

PreventionGenetics, part of Exact Sciences
Classification: Benign for MYCBP2-related condition. Last evaluated: 2019-10-21. Review status: no assertion criteria provided. Collection method: clinical testing. Allele origin: germline.
Comment: This variant is classified as benign based on ACMG/AMP sequence variant interpretation guidelines (Richards et al. 2015 PMID: 25741868, with internal and published modifications).